The following is an entry in ClinVar:

NM_003504.5(CDC45):c.653+4C>T

Gene: CDC45 (cell division cycle 45; plus strand). Cytogenetic location: 22q11.21.
Variant type: single nucleotide variant.
Coding change: c.653+4C>T on transcript NM_003504.5 (MANE Select); 4 bases into the intron after coding-DNA position 653, C replaced by T.
Molecular consequence: intron variant.
Genome position (GRCh38, 1-based): chr22:19,497,451, C>T. VCF-style: chr22-19497451-C-T. GRCh37 (hg19) VCF-style: chr22-19484974-C-T.
Other names: c.617+4C>T (NM_001369291.1); c.749+4C>T (NM_001178010.2, NM_001178010.1); c.515+4C>T (NM_001178011.2).
Identifiers: ClinVar variation 2158250 (VCV002158250.3), dbSNP rs111359910, ClinGen allele CA10101168.

ClinVar aggregate classification (germline): Uncertain significance. Review status: criteria provided, multiple submitters, no conflicts (2 of 4 stars). 2 submissions from 2 submitters: Uncertain significance (2). Last evaluated 2022-08-16.

Conditions:
Inborn genetic diseases. Identifiers: MedGen C0950123, MeSH D030342.

Allele frequency attached by ClinVar (database versions not stated): gnomAD exomes 0.00002; ExAC 0.00003; gnomAD 0.00003; TOPMed 0.00003.
gnomAD v4.1: 40 of 1,613,076 alleles (0.0025%); highest among the groups gnomAD compares: African/African-American, 0.0093%; no homozygotes.

Submissions (2):

Labcorp Genetics (formerly Invitae), Labcorp
Classification: Uncertain significance. Last evaluated: 2022-08-16. Review status: criteria provided, single submitter. Criteria: Invitae Variant Classification Sherloc (09022015). Collection method: clinical testing. Allele origin: germline.
Comment: In summary, the available evidence is currently insufficient to determine the role of this variant in disease. Therefore, it has been classified as a Variant of Uncertain Significance. Variants that disrupt the consensus splice site are a relatively common cause of aberrant splicing (PMID: 17576681, 9536098). Algorithms developed to predict the effect of sequence changes on RNA splicing suggest that this variant is not likely to affect RNA splicing. This variant has not been reported in the literature in individuals affected with CDC45-related conditions. This variant is present in population databases (rs111359910, gnomAD 0.007%). This sequence change falls in intron 9 of the CDC45 gene. It does not directly change the encoded amino acid sequence of the CDC45 protein. It affects a nucleotide within the consensus splice site.

Ambry Genetics
Classification: Uncertain significance for Inborn genetic diseases. Last evaluated: 2022-03-15. Review status: criteria provided, single submitter. Criteria: Ambry Variant Classification Scheme 2023. Collection method: clinical testing. Allele origin: germline.
Comment: The c.749+4C>T intronic alteration consists of a C to T substitution nucleotides after coding exon 9 in the CDC45 gene. Based on insufficient or conflicting evidence, the clinical significance of this alteration remains unclear.

Literature cited by the submitters: PubMed 17576681 (cited by Labcorp Genetics (formerly Invitae), Labcorp); PubMed 9536098 (cited by Labcorp Genetics (formerly Invitae), Labcorp).